The following is an entry in ClinVar:

NM_000492.4(CFTR):c.264A>C (p.Leu88Phe)

Gene: CFTR (CF transmembrane conductance regulator; plus strand). Cytogenetic location: 7q31.2.
Variant type: single nucleotide variant.
Coding change: c.264A>C on transcript NM_000492.4 (MANE Select); coding-DNA position 264, A replaced by C.
Protein change: p.Leu88Phe; replaces leucine 88 with phenylalanine.
Molecular consequence: missense variant.
Genome position (GRCh38, 1-based): chr7:117,509,133, A>C. VCF-style: chr7-117509133-A-C. GRCh37 (hg19) VCF-style: chr7-117149187-A-C.
Other names: short protein forms L88F.
Identifiers: ClinVar variation 961121 (VCV000961121.28), dbSNP rs149662778, ClinGen allele CA4450676.

ClinVar aggregate classification (germline): Uncertain significance. Review status: criteria provided, multiple submitters, no conflicts (2 of 4 stars). 10 submissions from 10 submitters: Uncertain significance (6). 4 of the submissions do not count toward it. Last evaluated 2024-10-22.

Conditions:
Cystic fibrosis (CF). Also called: MUCOVISCIDOSIS. Identifiers: Orphanet 586, MedGen C0010674, MONDO:0009061, OMIM 219700. Disease mechanism: loss of function.
CFTR-related disorder (CFTR-RD). Also called: CFTR-related disorders; CFTR-related condition. Identifiers: MedGen C5924204, MONDO:7770004.

Allele frequency attached by ClinVar (database versions not stated): gnomAD exomes 0.00001; ExAC 0.00002; TOPMed 0.00002; gnomAD 0.00003; ESP Exome Variant Server 0.00008.
gnomAD v4.1: 11 of 1,546,654 alleles (0.00071%); highest among the groups gnomAD compares: Non-Finnish European, 0.00098%; no homozygotes.

Submissions (10):

PreventionGenetics, part of Exact Sciences
Classification: Uncertain significance for CFTR-related condition. Last evaluated: 2024-10-22. Review status: criteria provided, single submitter. Criteria: ACMG Guidelines, 2015. Collection method: clinical testing. Allele origin: germline.
Comment: The CFTR c.264A>C variant is predicted to result in the amino acid substitution p.Leu88Phe. This variant has been reported in the heterozygous state in an individual with chronic obstructive pulmonary disease (Supplementary Table 1, Saferali et al. 2022. PubMed ID: 34996830). This variant is reported in 0.0026% of alleles in individuals of European (Non-Finnish) descent in gnomAD. At this time, the clinical significance of this variant is uncertain due to the absence of conclusive functional and genetic evidence.

Labcorp Genetics (formerly Invitae), Labcorp
Classification: Uncertain significance for Cystic fibrosis. Last evaluated: 2024-06-11. Review status: criteria provided, single submitter. Criteria: Invitae Variant Classification Sherloc (09022015). Collection method: clinical testing. Allele origin: germline.
Comment: This sequence change replaces leucine, which is neutral and non-polar, with phenylalanine, which is neutral and non-polar, at codon 88 of the CFTR protein (p.Leu88Phe). This variant is present in population databases (rs149662778, gnomAD 0.002%). This variant has not been reported in the literature in individuals affected with CFTR-related conditions. ClinVar contains an entry for this variant (Variation ID: 961121). Advanced modeling of protein sequence and biophysical properties (such as structural, functional, and spatial information, amino acid conservation, physicochemical variation, residue mobility, and thermodynamic stability) performed at Invitae indicates that this missense variant is expected to disrupt CFTR protein function with a positive predictive value of 80%. In summary, the available evidence is currently insufficient to determine the role of this variant in disease. Therefore, it has been classified as a Variant of Uncertain Significance.

GeneDx
Classification: Uncertain significance. Last evaluated: 2024-02-20. Review status: criteria provided, single submitter. Criteria: GeneDx Variant Classification Process June 2021. Collection method: clinical testing. Allele origin: germline. Affected: yes.
Comment: Not observed at significant frequency in large population cohorts (gnomAD); In silico analysis supports that this missense variant has a deleterious effect on protein structure/function; Has not been previously published as pathogenic or benign to our knowledge

Ambry Genetics
Classification: Uncertain significance for Cystic fibrosis. Last evaluated: 2023-03-14. Review status: criteria provided, single submitter. Criteria: Ambry Variant Classification Scheme 2023. Collection method: clinical testing. Allele origin: germline.
Comment: The p.L88F variant (also known as c.264A>C), located in coding exon 3 of the CFTR gene, results from an A to C substitution at nucleotide position 264. The leucine at codon 88 is replaced by phenylalanine, an amino acid with highly similar properties. An alternate amino acid substitution at this codon, p.L88S, was reported in a cystic fibrosis cohort; however, clinical details were limited (Hughes DJ et al. Hum. Mutat., 1996;8:340-7). This amino acid position is highly conserved in available vertebrate species. In addition, this alteration is predicted to be deleterious by in silico analysis. Since supporting evidence is limited at this time, the clinical significance of this alteration remains unclear.

Genome-Nilou Lab
Classification: Uncertain significance for Cystic fibrosis. Last evaluated: 2021-09-05. Review status: criteria provided, single submitter. Criteria: ACMG Guidelines, 2015. Collection method: clinical testing. Allele origin: germline. Affected: no.

ARUP Laboratories, Molecular Genetics and Genomics, ARUP Laboratories
Classification: Uncertain significance. Last evaluated: 2020-03-15. Review status: criteria provided, single submitter. Criteria: ARUP Molecular Germline Variant Investigation Process. Collection method: clinical testing. Allele origin: germline.
Comment: The CFTR c.264A>C; p.Leu88Phe variant (rs149662778), to our knowledge, is not reported in the medical literature but is reported in the Leiden open variation database (see link). This variant is only observed on three alleles in the Genome Aggregation Database, indicating it is not a common polymorphism. The leucine at codon 88 is highly conserved, and computational analyses (SIFT: tolerated, PolyPhen-2: probably damaging) predict conflicting effects of this variant on protein structure/function. Due to limited information, the clinical significance of the p.Leu88Phe variant is uncertain at this time. References: Link to Leiden open variation database

Natera, Inc.
Classification: Uncertain significance for CFTR-related disorders. Last evaluated: 2018-08-21. Review status: no assertion criteria provided. Collection method: clinical testing. Allele origin: germline. Not counted in ClinVar's aggregate classification.

Clinical Genetics DNA and cytogenetics Diagnostics Lab, Erasmus MC, Erasmus Medical Center
Classification: Uncertain significance. Review status: no assertion criteria provided. Collection method: clinical testing. Allele origin: germline. Affected: yes. Study: VKGL Data-share Consensus. Not counted in ClinVar's aggregate classification.

Diagnostic Laboratory, Department of Genetics, University Medical Center Groningen
Classification: Uncertain significance. Review status: no assertion criteria provided. Collection method: clinical testing. Allele origin: germline. Affected: yes. Study: VKGL Data-share Consensus. Not counted in ClinVar's aggregate classification.

Joint Genome Diagnostic Labs from Nijmegen and Maastricht, Radboudumc and MUMC+
Classification: Uncertain significance. Review status: no assertion criteria provided. Collection method: clinical testing. Allele origin: germline. Affected: yes. Study: VKGL Data-share Consensus. Not counted in ClinVar's aggregate classification.